The following is an entry in ClinVar:

NM_016070.4(MRPS23):c.36C>T (p.Ile12=)

Gene: MRPS23 (mitochondrial ribosomal protein S23; minus strand). Cytogenetic location: 17q22.
Variant type: single nucleotide variant.
Coding change: c.36C>T on transcript NM_016070.4 (MANE Select); coding-DNA position 36, C replaced by T.
Protein change: p.Ile12=; no amino-acid change (isoleucine 12 retained).
Molecular consequence: synonymous variant.
Genome position (GRCh38, 1-based): chr17:57,849,975, G>A on the plus strand (C>T on the coding strand, the complement: MRPS23 is on the minus strand). VCF-style: chr17-57849975-G-A. GRCh37 (hg19) VCF-style: chr17-55927336-G-A.
Other names: c.36C>T (NM_016070.3).
Identifiers: ClinVar variation 1589915 (VCV001589915.10), dbSNP rs758533367, ClinGen allele CA8666823.

ClinVar aggregate classification (germline): Likely benign. Review status: criteria provided, single submitter (1 of 4 stars). 2 submissions from 2 submitters: Likely benign (1). 1 of the submissions does not count toward it. Last evaluated 2021-09-09.

Conditions:
MRPS23-related disorder. Also called: MRPS23-related condition.

Allele frequency attached by ClinVar (database versions not stated): gnomAD 0.00001; gnomAD exomes 0.00006 and 0.00013; TOPMed 0.00007; ExAC 0.00015.
gnomAD v4.1: 35 of 1,590,354 alleles (0.0022%); highest among the groups gnomAD compares: Admixed American, 0.06%; no homozygotes.

Submissions (2):

Labcorp Genetics (formerly Invitae), Labcorp
Classification: Likely benign. Last evaluated: 2021-09-09. Review status: criteria provided, single submitter. Criteria: Invitae Variant Classification Sherloc (09022015). Collection method: clinical testing. Allele origin: germline.

PreventionGenetics, part of Exact Sciences
Classification: Likely benign for MRPS23-related condition. Last evaluated: 2019-09-05. Review status: no assertion criteria provided. Collection method: clinical testing. Allele origin: germline. Not counted in ClinVar's aggregate classification.
Comment: This variant is classified as likely benign based on ACMG/AMP sequence variant interpretation guidelines (Richards et al. 2015 PMID: 25741868, with internal and published modifications).